The following is an entry in ClinVar:

NM_018896.5(CACNA1G):c.5985C>T (p.Ser1995=)

Gene: CACNA1G (calcium voltage-gated channel subunit alpha1 G; plus strand). Cytogenetic location: 17q21.33.
Variant type: single nucleotide variant.
Coding change: c.5985C>T on transcript NM_018896.5 (MANE Select); coding-DNA position 5985, C replaced by T.
Protein change: p.Ser1995=; no amino-acid change (serine 1995 retained).
Molecular consequence: synonymous variant. On other transcripts: intron variant (24).
Genome position (GRCh38, 1-based): chr17:50,621,719, C>T. VCF-style: chr17-50621719-C-T. GRCh37 (hg19) VCF-style: chr17-48699080-C-T.
Other names: c.5952C>T, p.Ser1984= (NM_198377.3); c.5772C>T, p.Ser1924= (NM_198383.3); c.5883C>T, p.Ser1961= (NM_198396.3); c.5803-2188C>T (NM_001256325.2); c.5892+1893C>T (NM_198380.3); c.5749-2188C>T (NM_198378.3, NM_001256334.2); c.5925+1893C>T (NM_198385.3); c.5782-2188C>T (NM_198384.3, NM_001256333.2); and 15 more.
Identifiers: ClinVar variation 2889764 (VCV002889764.18), dbSNP rs773221850, ClinGen allele CA8653543.

ClinVar aggregate classification (germline): Benign/Likely benign. Review status: criteria provided, multiple submitters, no conflicts (2 of 4 stars). 3 submissions from 3 submitters: Benign (1); Likely benign (2). Last evaluated 2024-11-01.

Allele frequency attached by ClinVar (database versions not stated): gnomAD exomes 0.00006; gnomAD 0.00007; TOPMed 0.00007; ExAC 0.00014.
gnomAD v4.1: 103 of 1,613,768 alleles (0.0064%); highest among the groups gnomAD compares: Admixed American, 0.018%; no homozygotes.

Submissions (3):

CeGaT Center for Human Genetics Tuebingen
Classification: Likely benign. Last evaluated: 2024-11-01. Review status: criteria provided, single submitter. Criteria: CeGaT Center For Human Genetics Tuebingen Variant Classification Criteria Version 2. Collection method: clinical testing. Allele origin: germline. Affected: yes. Observed: 1 variant allele.
Comment: CACNA1G: BP4

Blueprint Genetics
Classification: Likely benign. Last evaluated: 2024-04-23. Review status: criteria provided, single submitter. Criteria: ACMG Guidelines, 2015. Collection method: clinical testing. Allele origin: germline.

Labcorp Genetics (formerly Invitae), Labcorp
Classification: Benign. Last evaluated: 2022-11-02. Review status: criteria provided, single submitter. Criteria: Invitae Variant Classification Sherloc (09022015). Collection method: clinical testing. Allele origin: germline.